The following is an entry in ClinVar:

NM_003036.4(SKI):c.827T>A (p.Phe276Tyr)

Gene: SKI (SKI proto-oncogene; plus strand). Cytogenetic location: 1p36.33.
Variant type: single nucleotide variant.
Coding change: c.827T>A on transcript NM_003036.4 (MANE Select); coding-DNA position 827, T replaced by A.
Protein change: p.Phe276Tyr; replaces phenylalanine 276 with tyrosine.
Molecular consequence: missense variant.
Genome position (GRCh38, 1-based): chr1:2,229,593, T>A. VCF-style: chr1-2229593-T-A. GRCh37 (hg19) VCF-style: chr1-2161032-T-A.
Other names: short protein forms F276Y.
Identifiers: ClinVar variation 582951 (VCV000582951.10), dbSNP rs1557807366, ClinGen allele CA337955819.
Genomic context (GRCh38, chr1:2,229,593, plus strand): 5'-CGCACAAGTTCGTGGTGCACTCGCACAAGGCCCTGGAGAACCGGACCTGCCACTGGGGCT[T>A]CGACTCGGCCAACTGGCGGGCCTACATCCTGCTGAGCCAGGATTACACGGGCAAGGAGGA-3'
Protein context (NP_003027.1, residues 266-286): ALENRTCHWG[Phe276Tyr]DSANWRAYIL

ClinVar aggregate classification (germline): Uncertain significance. Review status: criteria provided, multiple submitters, no conflicts (2 of 4 stars). 2 submissions from 2 submitters: Uncertain significance (2). Last evaluated 2020-10-29.

Conditions:
Familial thoracic aortic aneurysm and aortic dissection (TAAD). Also called: Thoracic aortic aneurysms and dissections. Identifiers: Orphanet 91387, MedGen C4707243, MONDO:0019625.
Shprintzen-Goldberg syndrome (SGS). Also called: SHPRINTZEN-GOLDBERG CRANIOSYNOSTOSIS SYNDROME; CRANIOSYNOSTOSIS WITH ARACHNODACTYLY AND ABDOMINAL HERNIAS; Marfanoid disorder with craniosynostosis type 1; Marfanoid craniosynostosis syndrome; Shprintzen-Goldberg marfanoid syndrome. Identifiers: Orphanet 2462, MedGen C1321551, MONDO:0008426, OMIM 182212.

Submissions (2):

Ambry Genetics
Classification: Uncertain significance for Familial thoracic aortic aneurysm and aortic dissection. Last evaluated: 2020-10-29. Review status: criteria provided, single submitter. Criteria: Ambry Variant Classification Scheme 2023. Collection method: clinical testing. Allele origin: germline.
Comment: The p.F276Y variant (also known as c.827T>A), located in coding exon 1 of the SKI gene, results from a T to A substitution at nucleotide position 827. The phenylalanine at codon 276 is replaced by tyrosine, an amino acid with highly similar properties. This amino acid position is highly conserved in available vertebrate species. In addition, this alteration is predicted to be deleterious by in silico analysis. Since supporting evidence is limited at this time, the clinical significance of this alteration remains unclear.

Labcorp Genetics (formerly Invitae), Labcorp
Classification: Uncertain significance for Shprintzen-Goldberg syndrome. Last evaluated: 2018-05-30. Review status: criteria provided, single submitter. Criteria: Invitae Variant Classification Sherloc (09022015). Collection method: clinical testing. Allele origin: germline.
Comment: In summary, the available evidence is currently insufficient to determine the role of this variant in disease. Therefore, it has been classified as a Variant of Uncertain Significance. Algorithms developed to predict the effect of missense changes on protein structure and function are either unavailable or do not agree on the potential impact of this missense change (SIFT: "Deleterious"; PolyPhen-2: "Probably Damaging"; Align-GVGD: "Class C0"). This variant has not been reported in the literature in individuals with SKI-related disease. This variant is not present in population databases (ExAC no frequency). This sequence change replaces phenylalanine with tyrosine at codon 276 of the SKI protein (p.Phe276Tyr). The phenylalanine residue is highly conserved and there is a small physicochemical difference between phenylalanine and tyrosine.